The following is an entry in ClinVar:

NM_001372053.1(ANKRD31):c.3880G>A (p.Ala1294Thr)

Gene: ANKRD31 (ankyrin repeat domain 31; minus strand). Cytogenetic location: 5q13.3.
Variant type: single nucleotide variant.
Coding change: c.3880G>A on transcript NM_001372053.1 (MANE Select); coding-DNA position 3880, G replaced by A.
Protein change: p.Ala1294Thr; replaces alanine 1294 with threonine.
Molecular consequence: missense variant.
Genome position (GRCh38, 1-based): chr5:75,118,294, C>T on the plus strand (G>A on the coding strand, the complement: ANKRD31 is on the minus strand). VCF-style: chr5-75118294-C-T. GRCh37 (hg19) VCF-style: chr5-74414119-C-T.
Other names: c.3709G>A, p.Ala1237Thr (NM_001164443.1); short protein forms A1294T, A1237T.
Identifiers: ClinVar variation 1924689 (VCV001924689.5), dbSNP rs1748462276, ClinGen allele CA360125278.

ClinVar aggregate classification (germline): Uncertain significance (1 of 4 stars; one submission).

Allele frequency attached by ClinVar (database versions not stated): gnomAD exomes below 0.00001.
gnomAD v4.1: 2 of 1,482,348 alleles (0.00013%); highest among the groups gnomAD compares: East Asian, 0.0051%; no homozygotes.

Submission:

Labcorp Genetics (formerly Invitae), Labcorp
Classification: Uncertain significance. Last evaluated: 2022-01-01. Review status: criteria provided, single submitter. Criteria: Invitae Variant Classification Sherloc (09022015). Collection method: clinical testing. Allele origin: germline.
Comment: In summary, the available evidence is currently insufficient to determine the role of this variant in disease. Therefore, it has been classified as a Variant of Uncertain Significance. Algorithms developed to predict the effect of missense changes on protein structure and function output the following: SIFT: "Deleterious"; PolyPhen-2: "Possibly Damaging"; Align-GVGD: "Class C0". The threonine amino acid residue is found in multiple mammalian species, which suggests that this missense change does not adversely affect protein function. This variant has not been reported in the literature in individuals affected with ANKRD31-related conditions. This variant is not present in population databases (gnomAD no frequency). This sequence change replaces alanine, which is neutral and non-polar, with threonine, which is neutral and polar, at codon 1237 of the ANKRD31 protein (p.Ala1237Thr).